The following is an entry in ClinVar:

ClinVar aggregate classification (germline): Uncertain significance (1 of 4 stars; one submission).

Submission:

Labcorp Genetics (formerly Invitae), Labcorp
Classification: Uncertain significance. Last evaluated: 2024-10-29. Review status: criteria provided, single submitter. Criteria: Invitae Variant Classification Sherloc (09022015). Collection method: clinical testing. Allele origin: germline.
Comment: This sequence change replaces leucine, which is neutral and non-polar, with arginine, which is basic and polar, at codon 635 of the PDE6C protein (p.Leu635Arg). This variant is not present in population databases (gnomAD no frequency). This variant has not been reported in the literature in individuals affected with PDE6C-related conditions. ClinVar contains an entry for this variant (Variation ID: 1359319). Invitae Evidence Modeling of protein sequence and biophysical properties (such as structural, functional, and spatial information, amino acid conservation, physicochemical variation, residue mobility, and thermodynamic stability) indicates that this missense variant is expected to disrupt PDE6C protein function with a positive predictive value of 95%. In summary, the available evidence is currently insufficient to determine the role of this variant in disease. Therefore, it has been classified as a Variant of Uncertain Significance.

NM_006204.4(PDE6C):c.1904T>G (p.Leu635Arg)

Gene: PDE6C (phosphodiesterase 6C; plus strand). Cytogenetic location: 10q23.33.
Variant type: single nucleotide variant.
Coding change: c.1904T>G on transcript NM_006204.4 (MANE Select); coding-DNA position 1904, T replaced by G.
Protein change: p.Leu635Arg; replaces leucine 635 with arginine.
Molecular consequence: missense variant.
Genome position (GRCh38, 1-based): chr10:93,646,016, T>G. VCF-style: chr10-93646016-T-G. GRCh37 (hg19) VCF-style: chr10-95405773-T-G.
Other names: short protein forms L635R.
Identifiers: ClinVar variation 1359319 (VCV001359319.8), dbSNP rs747466783, ClinGen allele CA377621044.